The following is an entry in ClinVar:

ClinVar aggregate classification (germline): Conflicting classifications of pathogenicity. Review status: criteria provided, conflicting classifications (1 of 4 stars). 5 submissions from 5 submitters: Uncertain significance (4); Likely benign (1). Last evaluated 2025-10-08.

Conditions:
Hereditary cancer-predisposing syndrome. Also called: Hereditary neoplastic syndrome; Hereditary Cancer Syndrome; Neoplastic Syndromes, Hereditary; Tumor predisposition. Identifiers: Orphanet 140162, MedGen C0027672, MeSH D009386, MONDO:0015356.
Hereditary breast ovarian cancer syndrome. Also called: Hereditary breast and/or ovarian cancer syndrome; BRCA1- and BRCA2-Associated Hereditary Breast and Ovarian Cancer; Hereditary breast and ovarian cancer syndrome (HBOC); Breast and ovarian cancer; Hereditary breast and ovarian cancer syndrome; Hereditary breast and ovarian cancer. Identifiers: Orphanet 145, MedGen C0677776, MeSH D061325, MONDO:0003582. Disease mechanism: loss of function.

Submissions (5):

Quest Diagnostics Nichols Institute San Juan Capistrano
Classification: Uncertain significance. Last evaluated: 2025-10-08. Review status: criteria provided, single submitter. Criteria: Quest Diagnostics criteria. Collection method: clinical testing. Allele origin: unknown.
Comment: The BRCA2 c.3184C>G (p.Pro1062Ala) variant has been reported to be located in a region of the BRCA2 gene that is tolerant to missense sequence changes (PMID: 31911673 (2020)). To the best of our knowledge, this variant has not been reported in individuals with BRCA2-related disorders. This variant has not been reported in large, multi-ethnic general populations (Genome Aggregation Database). Analysis of this variant using bioinformatics tools for the prediction of the effect of amino acid changes on protein structure and function yielded predictions that this variant is benign. Based on the available information, we are unable to determine the clinical significance of this variant.

University of Washington Department of Laboratory Medicine, University of Washington
Classification: Likely benign for Hereditary cancer-predisposing syndrome. Last evaluated: 2023-03-23. Review status: criteria provided, single submitter. Criteria: Dines et al. (Genet Med. 2020). Collection method: curation. Allele origin: germline.
Comment: Missense variant in a coldspot region where missense variants are very unlikely to be pathogenic (PMID:31911673).

BRCA2 exon 11 coldspot. Reclassification based on statistical prior probability.

Ambry Genetics
Classification: Uncertain significance for Hereditary cancer-predisposing syndrome. Last evaluated: 2021-02-19. Review status: criteria provided, single submitter. Criteria: Ambry Variant Classification Scheme 2023. Collection method: clinical testing. Allele origin: germline.
Comment: The p.P1062A variant (also known as c.3184C>G), located in coding exon 10 of the BRCA2 gene, results from a C to G substitution at nucleotide position 3184. The proline at codon 1062 is replaced by alanine, an amino acid with highly similar properties. This amino acid position is well conserved in available vertebrate species. In addition, this alteration is predicted to be tolerated by in silico analysis. Since supporting evidence is limited at this time, the clinical significance of this alteration remains unclear.

Blueprint Genetics
Classification: Uncertain significance. Last evaluated: 2020-06-22. Review status: criteria provided, single submitter. Criteria: ACMG Guidelines, 2015. Collection method: clinical testing. Allele origin: germline.

Labcorp Genetics (formerly Invitae), Labcorp
Classification: Uncertain significance for Hereditary breast ovarian cancer syndrome. Last evaluated: 2020-05-08. Review status: criteria provided, single submitter. Criteria: Invitae Variant Classification Sherloc (09022015). Collection method: clinical testing. Allele origin: germline.
Comment: This sequence change replaces proline with alanine at codon 1062 of the BRCA2 protein (p.Pro1062Ala). The proline residue is weakly conserved and there is a small physicochemical difference between proline and alanine. In summary, the available evidence is currently insufficient to determine the role of this variant in disease. Therefore, it has been classified as a Variant of Uncertain Significance. Algorithms developed to predict the effect of missense changes on protein structure and function (SIFT, PolyPhen-2, Align-GVGD) all suggest that this variant is likely to be tolerated, but these predictions have not been confirmed by published functional studies and their clinical significance is uncertain. This variant has not been reported in the literature in individuals with BRCA2-related conditions. This variant is not present in population databases (ExAC no frequency).

Literature cited by the submitters: PubMed 31911673 (cited by Quest Diagnostics Nichols Institute San Juan Capistrano).

NM_000059.4(BRCA2):c.3184C>G (p.Pro1062Ala)

Gene: BRCA2 (BRCA2 DNA repair associated; plus strand). Cytogenetic location: 13q13.1.
Variant type: single nucleotide variant.
Coding change: c.3184C>G on transcript NM_000059.4 (MANE Select); coding-DNA position 3184, C replaced by G.
Protein change: p.Pro1062Ala; replaces proline 1062 with alanine.
Molecular consequence: missense variant.
Genome position (GRCh38, 1-based): chr13:32,337,539, C>G. VCF-style: chr13-32337539-C-G. GRCh37 (hg19) VCF-style: chr13-32911676-C-G.
Other names: short protein forms P1062A.
Identifiers: ClinVar variation 949211 (VCV000949211.15), dbSNP rs1555283083, ClinGen allele CA387775835.